The following is an entry in ClinVar:

NM_000268.4(NF2):c.363+2T>C

Gene: NF2 (NF2, moesin-ezrin-radixin like (MERLIN) tumor suppressor; plus strand). Cytogenetic location: 22q12.2.
Variant type: single nucleotide variant.
Coding change: c.363+2T>C on transcript NM_000268.4 (MANE Select); the canonical splice donor site of the intron after coding-DNA position 363, T replaced by C.
Molecular consequence: splice donor variant. On other transcripts: intron variant (8).
Genome position (GRCh38, 1-based): chr22:29,639,214, T>C. VCF-style: chr22-29639214-T-C. GRCh37 (hg19) VCF-style: chr22-30035203-T-C.
Other names: c.363+2T>C (NM_016418.5, NM_181832.3, NM_001407060.1 and 5 more transcripts); c.249+2T>C (NM_001407056.1, NM_001407053.1); c.132+2T>C (NM_001407067.1); c.-278+2T>C (NM_001407065.1); c.240+2338T>C (NM_001407058.1, NM_181829.3, NM_001407054.1 and 1 more transcripts); c.237+2T>C (NM_181828.3, NM_001407055.1); c.115-2988T>C (NM_001407063.1, NM_181830.3, NM_001407064.1 and 1 more transcripts).
Identifiers: ClinVar variation 1067623 (VCV001067623.15), dbSNP rs2146873271, ClinGen allele CA411153406.

ClinVar aggregate classification (germline): Pathogenic/Likely pathogenic. Review status: criteria provided, multiple submitters, no conflicts (2 of 4 stars). 2 submissions from 2 submitters: Pathogenic (1); Likely pathogenic (1). Last evaluated 2022-10-28.

Conditions:
Hereditary cancer-predisposing syndrome. Also called: Neoplastic Syndromes, Hereditary; Hereditary Cancer Syndrome; Hereditary neoplastic syndrome; Tumor predisposition. Identifiers: Orphanet 140162, MedGen C0027672, MeSH D009386, MONDO:0015356.
Neurofibromatosis, type 2 (SWNV). Also called: BILATERAL ACOUSTIC NEUROFIBROMATOSIS; NF2-Related Schwannomatosis; SCHWANNOMATOSIS, VESTIBULAR. Identifiers: Orphanet 637, MedGen C0027832, MONDO:0007039, OMIM 101000. Disease mechanism: loss of function.

Submissions (2):

Labcorp Genetics (formerly Invitae), Labcorp
Classification: Pathogenic for Neurofibromatosis, type 2. Last evaluated: 2022-10-28. Review status: criteria provided, single submitter. Criteria: Invitae Variant Classification Sherloc (09022015). Collection method: clinical testing. Allele origin: germline.
Comment: For these reasons, this variant has been classified as Pathogenic. Algorithms developed to predict the effect of sequence changes on RNA splicing suggest that this variant may disrupt the consensus splice site. ClinVar contains an entry for this variant (Variation ID: 1067623). Disruption of this splice site has been observed in individuals with neurofibromatosis type 2 (PMID: 9605590; Invitae). This variant is not present in population databases (gnomAD no frequency). This sequence change affects a donor splice site in intron 3 of the NF2 gene. It is expected to disrupt RNA splicing. Variants that disrupt the donor or acceptor splice site typically lead to a loss of protein function (PMID: 16199547), and loss-of-function variants in NF2 are known to be pathogenic (PMID: 9643284, 16983642).

Ambry Genetics
Classification: Likely pathogenic for Hereditary cancer-predisposing syndrome. Last evaluated: 2020-04-03. Review status: criteria provided, single submitter. Criteria: Ambry Variant Classification Scheme 2023. Collection method: clinical testing. Allele origin: germline.
Comment: The c.363+2T>C intronic variant results from a T to C substitution two nucleotides after coding exon 3 of the NF2 gene. Another variant at the same donor site (c.363+1G>A) was identified in an individual with a clinical diagnosis of Neurofibromatosis type 2 (Kluwe L et al. Am. J. Med. Genet., 1998 May;77:228-33). This nucleotide position is highly conserved in available vertebrate species. Using the BDGP and ESEfinder splice site prediction tools, this alteration is predicted to abolish the native splice donor site; however, direct evidence is unavailable. This variant was not reported in population-based cohorts in the Genome Aggregation Database (gnomAD). Alterations that disrupt the canonical splice site are expected to cause aberrant splicing, resulting in an abnormal protein or a transcript that is subject to nonsense-mediated mRNA decay. As such, this alteration is classified as likely pathogenic.

Literature cited by the submitters: PubMed 9605590 (cited by Labcorp Genetics (formerly Invitae), Labcorp and Ambry Genetics); PubMed 16199547 (cited by Labcorp Genetics (formerly Invitae), Labcorp); PubMed 9643284 (cited by Labcorp Genetics (formerly Invitae), Labcorp); PubMed 16983642 (cited by Labcorp Genetics (formerly Invitae), Labcorp).